The following is an entry in ClinVar:

ClinVar aggregate classification (germline): Uncertain significance. Review status: criteria provided, multiple submitters, no conflicts (2 of 4 stars). 2 submissions from 2 submitters: Uncertain significance (2). Last evaluated 2023-07-07.

Allele frequency attached by ClinVar (database versions not stated): gnomAD exomes below 0.00001; TOPMed below 0.00001.
gnomAD v4.1: 2 of 1,613,318 alleles (0.00012%); highest among the groups gnomAD compares: Admixed American, 0.0017%; no homozygotes.

Submissions (2):

Blueprint Genetics
Classification: Uncertain significance. Last evaluated: 2023-07-07. Review status: criteria provided, single submitter. Criteria: ACMG Guidelines, 2015. Collection method: clinical testing. Allele origin: germline.

GeneDx
Classification: Uncertain significance. Last evaluated: 2022-08-12. Review status: criteria provided, single submitter. Criteria: GeneDx Variant Classification Process June 2021. Collection method: clinical testing. Allele origin: germline. Affected: yes.
Comment: Not observed at significant frequency in large population cohorts (gnomAD); In silico analysis supports that this missense variant has a deleterious effect on protein structure/function; Has not been previously published as pathogenic or benign to our knowledge

NM_000540.3(RYR1):c.2782C>T (p.Leu928Phe)

Gene: RYR1 (ryanodine receptor 1; plus strand). Cytogenetic location: 19q13.2.
Variant type: single nucleotide variant.
Coding change: c.2782C>T on transcript NM_000540.3 (MANE Select); coding-DNA position 2782, C replaced by T.
Protein change: p.Leu928Phe; replaces leucine 928 with phenylalanine.
Molecular consequence: missense variant.
Genome position (GRCh38, 1-based): chr19:38,463,846, C>T. VCF-style: chr19-38463846-C-T. GRCh37 (hg19) VCF-style: chr19-38954486-C-T.
Other names: c.2782C>T, p.Leu928Phe (NM_001042723.2); short protein forms L928F.
Identifiers: ClinVar variation 2429632 (VCV002429632.2), dbSNP rs1967927668, ClinGen allele CA405632819.